The following is an entry in ClinVar:

ClinVar aggregate classification (germline): Uncertain significance. Review status: criteria provided, multiple submitters, no conflicts (2 of 4 stars). 2 submissions from 2 submitters: Uncertain significance (2). Last evaluated 2025-03-31.

Conditions:
CDH1-related disorder. Also called: CDH1-related condition.
Hereditary diffuse gastric adenocarcinoma (HDGC). Also called: DIFFUSE GASTRIC AND LOBULAR BREAST CANCER SYNDROME. Identifiers: Orphanet 26106, MedGen C1708349, MONDO:0007648, OMIM 137215.

Allele frequency attached by ClinVar (database versions not stated): TOPMed below 0.00001.

Submissions (2):

PreventionGenetics, part of Exact Sciences
Classification: Uncertain significance for CDH1-related condition. Last evaluated: 2025-03-31. Review status: criteria provided, single submitter. Criteria: ACMG Guidelines, 2015. Collection method: clinical testing. Allele origin: germline.
Comment: The CDH1 c.1739C>A variant is predicted to result in the amino acid substitution p.Thr580Lys. To our knowledge, this variant has not been reported in the literature or in a large population database (gnomad), indicating this variant is rare. This variant has an interpretation of uncertain significance in ClinVar. At this time, the clinical significance of this variant is uncertain due to the absence of conclusive functional and genetic evidence.

Labcorp Genetics (formerly Invitae), Labcorp
Classification: Uncertain significance for Hereditary diffuse gastric adenocarcinoma. Last evaluated: 2020-02-05. Review status: criteria provided, single submitter. Criteria: Invitae Variant Classification Sherloc (09022015). Collection method: clinical testing. Allele origin: germline.
Comment: In summary, the available evidence is currently insufficient to determine the role of this variant in disease. Therefore, it has been classified as a Variant of Uncertain Significance. Algorithms developed to predict the effect of missense changes on protein structure and function (SIFT, PolyPhen-2, Align-GVGD) all suggest that this variant is likely to be disruptive, but these predictions have not been confirmed by published functional studies and their clinical significance is uncertain. This variant has not been reported in the literature in individuals with CDH1-related conditions. This variant is not present in population databases (ExAC no frequency). This sequence change replaces threonine with lysine at codon 580 of the CDH1 protein (p.Thr580Lys). The threonine residue is highly conserved and there is a moderate physicochemical difference between threonine and lysine.

NM_004360.5(CDH1):c.1739C>A (p.Thr580Lys)

Gene: CDH1 (cadherin 1; plus strand). Cytogenetic location: 16q22.1.
Variant type: single nucleotide variant.
Coding change: c.1739C>A on transcript NM_004360.5 (MANE Select); coding-DNA position 1739, C replaced by A.
Protein change: p.Thr580Lys; replaces threonine 580 with lysine.
Molecular consequence: missense variant. On other transcripts: 5 prime UTR variant (1).
Genome position (GRCh38, 1-based): chr16:68,822,028, C>A. VCF-style: chr16-68822028-C-A. GRCh37 (hg19) VCF-style: chr16-68855931-C-A.
Other names: c.1556C>A, p.Thr519Lys (NM_001317184.2); c.191C>A, p.Thr64Lys (NM_001317185.2); c.-227C>A (NM_001317186.2); c.1739C>A (NM_004360.4); short protein forms T519K, T64K, T580K.
Identifiers: ClinVar variation 1043609 (VCV001043609.11), dbSNP rs1961157345, ClinGen allele CA396466370.